The following is an entry in ClinVar:

NM_006514.4(SCN10A):c.5330T>A (p.Ile1777Asn)

Gene: SCN10A (sodium voltage-gated channel alpha subunit 10; minus strand). Cytogenetic location: 3p22.2.
Variant type: single nucleotide variant.
Coding change: c.5330T>A on transcript NM_006514.4 (MANE Select); coding-DNA position 5330, T replaced by A.
Protein change: p.Ile1777Asn; replaces isoleucine 1777 with asparagine.
Molecular consequence: missense variant.
Genome position (GRCh38, 1-based): chr3:38,697,890, A>T on the plus strand (T>A on the coding strand, the complement: SCN10A is on the minus strand). VCF-style: chr3-38697890-A-T. GRCh37 (hg19) VCF-style: chr3-38739381-A-T.
Other names: c.5327T>A, p.Ile1776Asn (NM_001293306.2); c.5036T>A, p.Ile1679Asn (NM_001293307.2); short protein forms I1679N, I1776N, I1777N.
Identifiers: ClinVar variation 1191607 (VCV001191607.2), dbSNP rs1452745464, ClinGen allele CA352153956.

ClinVar aggregate classification (germline): Uncertain significance (1 of 4 stars; one submission).

Allele frequency attached by ClinVar (database versions not stated): gnomAD 0.00001.

Submission:

GeneDx
Classification: Uncertain significance. Last evaluated: 2019-04-02. Review status: criteria provided, single submitter. Criteria: GeneDx Variant Classification Process June 2021. Collection method: clinical testing. Allele origin: germline. Affected: yes.
Comment: Not observed at a significant frequency in large population cohorts (Lek et al., 2016); In silico analysis, which includes protein predictors and evolutionary conservation, supports a deleterious effect